The following is an entry in ClinVar:

ClinVar aggregate classification (germline): Uncertain significance (1 of 4 stars; one submission).

gnomAD v4.1: 1 of 1,613,538 alleles (0.000062%); highest among the groups gnomAD compares: African/African-American, 0.0013%; no homozygotes.

Submission:

Labcorp Genetics (formerly Invitae), Labcorp
Classification: Uncertain significance. Last evaluated: 2025-11-03. Review status: criteria provided, single submitter. Criteria: Invitae Variant Classification Sherloc (09022015). Collection method: clinical testing. Allele origin: germline.
Comment: This sequence change replaces lysine, which is basic and polar, with asparagine, which is neutral and polar, at codon 28 of the WDR1 protein (p.Lys28Asn). This variant is present in population databases (rs374784065, gnomAD 0.007%). This variant has not been reported in the literature in individuals affected with WDR1-related conditions. An algorithm developed to predict the effect of missense changes on protein structure and function (PolyPhen-2) suggests that this variant is likely to be disruptive. In summary, the available evidence is currently insufficient to determine the role of this variant in disease. Therefore, it has been classified as a Variant of Uncertain Significance.

NM_017491.5(WDR1):c.84G>C (p.Lys28Asn)

Gene: WDR1 (WD repeat domain 1; minus strand). Cytogenetic location: 4p16.1.
Variant type: single nucleotide variant.
Coding change: c.84G>C on transcript NM_017491.5 (MANE Select); coding-DNA position 84, G replaced by C.
Protein change: p.Lys28Asn; replaces lysine 28 with asparagine.
Molecular consequence: missense variant.
Genome position (GRCh38, 1-based): chr4:10,116,167, C>G on the plus strand (G>C on the coding strand, the complement: WDR1 is on the minus strand). VCF-style: chr4-10116167-C-G. GRCh37 (hg19) VCF-style: chr4-10117791-C-G.
Other names: c.84G>C, p.Lys28Asn (NM_005112.5); short protein forms K28N.
Identifiers: ClinVar variation 4730441 (VCV004730441.1).